The following is an entry in ClinVar:

NM_147127.5(EVC2):c.856G>A (p.Glu286Lys)

Gene: EVC2 (EvC ciliary complex subunit 2; minus strand). Cytogenetic location: 4p16.2.
Variant type: single nucleotide variant.
Coding change: c.856G>A on transcript NM_147127.5 (MANE Select); coding-DNA position 856, G replaced by A.
Protein change: p.Glu286Lys; replaces glutamic acid 286 with lysine.
Molecular consequence: missense variant.
Genome position (GRCh38, 1-based): chr4:5,681,274, C>T on the plus strand (G>A on the coding strand, the complement: EVC2 is on the minus strand). VCF-style: chr4-5681274-C-T. GRCh37 (hg19) VCF-style: chr4-5683001-C-T.
Other names: c.616G>A, p.Glu206Lys (NM_001166136.2); c.856G>A (NM_147127.4); short protein forms E206K, E286K.
Identifiers: ClinVar variation 2413563 (VCV002413563.4), dbSNP rs761148006, ClinGen allele CA2835275.
Genomic context (GRCh38, chr4:5,681,274, plus strand): 5'-GCACAGGTGTGTCCTGAGGGTGCTCAGGGCATGTCATGTCTCTTACCGTTACGTTTTCTT[C>T]TGCTGTTATGGAAAAAAGCACTTTCAGCTGTGTTCTGTTCTAGAAAAGGAAAAAAGAAAA-3'
Protein context (NP_667338.3, residues 276-296): QLKVLFSITA[Glu286Lys]ENVTVLPHHG

ClinVar aggregate classification (germline): Uncertain significance. Review status: criteria provided, multiple submitters, no conflicts (2 of 4 stars). 2 submissions from 2 submitters: Uncertain significance (2). Last evaluated 2025-03-22.

Conditions:
Curry-Hall syndrome (WAD). Also called: WEYERS ACRODENTAL DYSOSTOSIS. Identifiers: Orphanet 952, MedGen C0457013, MONDO:0008673, OMIM 193530.
Ellis-van Creveld syndrome (EVC). Also called: EVC-Related Ellis-van Creveld Syndrome; EVC2-Related Ellis-van Creveld Syndrome; Chondroectodermal dysplasia; MESOECTODERMAL DYSPLASIA. Identifiers: Orphanet 289, MedGen C0013903, MONDO:0009162, OMIM 225500.
Inborn genetic diseases. Identifiers: MedGen C0950123, MeSH D030342.

Allele frequency attached by ClinVar (database versions not stated): TOPMed below 0.00001; ExAC 0.00001; gnomAD exomes 0.00001.
gnomAD v4.1: 5 of 1,614,240 alleles (0.00031%); highest among the groups gnomAD compares: Non-Finnish European, 0.00042%; no homozygotes.

Submissions (2):

Ambry Genetics
Classification: Uncertain significance for Inborn genetic diseases. Last evaluated: 2025-03-22. Review status: criteria provided, single submitter. Criteria: Ambry Variant Classification Scheme 2023. Collection method: clinical testing. Allele origin: germline.

Labcorp Genetics (formerly Invitae), Labcorp
Classification: Uncertain significance for Curry-Hall syndrome; Ellis-van Creveld syndrome. Last evaluated: 2021-09-01. Review status: criteria provided, single submitter. Criteria: Invitae Variant Classification Sherloc (09022015). Collection method: clinical testing. Allele origin: germline.
Comment: This sequence change replaces glutamic acid with lysine at codon 286 of the EVC2 protein (p.Glu286Lys). The glutamic acid residue is moderately conserved and there is a small physicochemical difference between glutamic acid and lysine. This variant is present in population databases (rs761148006, ExAC 0.001%). This variant has not been reported in the literature in individuals affected with EVC2-related conditions. Algorithms developed to predict the effect of missense changes on protein structure and function are either unavailable or do not agree on the potential impact of this missense change (SIFT: "Deleterious"; PolyPhen-2: "Possibly Damaging"; Align-GVGD: "Class C0"). In summary, the available evidence is currently insufficient to determine the role of this variant in disease. Therefore, it has been classified as a Variant of Uncertain Significance.